The following is an entry in ClinVar:

NM_001079843.3(CASZ1):c.3007G>A (p.Ala1003Thr)

Gene: CASZ1 (castor zinc finger 1; minus strand). Cytogenetic location: 1p36.22.
Variant type: single nucleotide variant.
Coding change: c.3007G>A on transcript NM_001079843.3 (MANE Select); coding-DNA position 3007, G replaced by A.
Protein change: p.Ala1003Thr; replaces alanine 1003 with threonine.
Molecular consequence: missense variant.
Genome position (GRCh38, 1-based): chr1:10,649,311, C>T on the plus strand (G>A on the coding strand, the complement: CASZ1 is on the minus strand). VCF-style: chr1-10649311-C-T. GRCh37 (hg19) VCF-style: chr1-10709368-C-T.
Other names: c.3007G>A, p.Ala1003Thr (NM_017766.5); short protein forms A1003T.
Identifiers: ClinVar variation 3619761 (VCV003619761.2).

ClinVar aggregate classification (germline): Uncertain significance (1 of 4 stars; one submission).

gnomAD v4.1: 5 of 1,596,430 alleles (0.00031%); highest among the groups gnomAD compares: Admixed American, 0.0087%; no homozygotes.

Submission:

Labcorp Genetics (formerly Invitae), Labcorp
Classification: Uncertain significance. Last evaluated: 2024-09-17. Review status: criteria provided, single submitter. Criteria: Invitae Variant Classification Sherloc (09022015). Collection method: clinical testing. Allele origin: germline.
Comment: This sequence change replaces alanine, which is neutral and non-polar, with threonine, which is neutral and polar, at codon 1003 of the CASZ1 protein (p.Ala1003Thr). The frequency data for this variant in the population databases is considered unreliable, as metrics indicate poor data quality at this position in the gnomAD database. This variant has not been reported in the literature in individuals affected with CASZ1-related conditions. An algorithm developed to predict the effect of missense changes on protein structure and function (PolyPhen-2) suggests that this variant is likely to be tolerated. In summary, the available evidence is currently insufficient to determine the role of this variant in disease. Therefore, it has been classified as a Variant of Uncertain Significance.